The following is an entry in ClinVar:

NM_007194.4(CHEK2):c.1369G>T (p.Glu457Ter)

Gene: CHEK2 (checkpoint kinase 2; minus strand). Cytogenetic location: 22q12.1.
Variant type: single nucleotide variant.
Coding change: c.1369G>T on transcript NM_007194.4 (MANE Select); coding-DNA position 1369, G replaced by T.
Protein change: p.Glu457Ter; replaces glutamic acid 457 with a stop codon.
Molecular consequence: nonsense.
Genome position (GRCh38, 1-based): chr22:28,695,133, C>A on the plus strand (G>T on the coding strand, the complement: CHEK2 is on the minus strand). VCF-style: chr22-28695133-C-A. GRCh37 (hg19) VCF-style: chr22-29091121-C-A.
Other names: c.1498G>T, p.Glu500Ter (NM_001005735.3); c.706G>T, p.Glu236Ter (NM_001257387.3); c.1168G>T, p.Glu390Ter (NM_001349956.3); c.1282G>T, p.Glu428Ter (NM_145862.3); short protein forms E457*, E390*, E428*, E236*, E500*.
Identifiers: ClinVar variation 2858718 (VCV002858718.5), dbSNP rs2145792764, ClinGen allele CA411095387.
Genomic context (GRCh38, chr22:28,695,133, plus strand): 5'-CAGCACATACACATTTTAGCATACCACAAATTCTTAACCCTTTCATATTCATACCTTTCT[C>A]TGAGACTTCTGCCCAGACTTCAGGAATGAAGTTGTATTTTCCACTGGTGATCTGATCCTT-3'

ClinVar aggregate classification (germline): Pathogenic. Review status: criteria provided, multiple submitters, no conflicts (2 of 4 stars). 3 submissions from 3 submitters: Pathogenic (3). Last evaluated 2024-10-12.

Conditions:
Hereditary cancer-predisposing syndrome. Also called: Neoplastic Syndromes, Hereditary; Hereditary neoplastic syndrome; Tumor predisposition; Hereditary Cancer Syndrome. Identifiers: Orphanet 140162, MedGen C0027672, MeSH D009386, MONDO:0015356.
Familial cancer of breast. Also called: Hereditary breast cancer; BREAST CANCER, FAMILIAL; hereditary breast carcinoma. Identifiers: Orphanet 227535, MedGen C0346153, MONDO:0016419, OMIM 114480. Disease mechanism: loss of function.

Submissions (3):

Ambry Genetics
Classification: Pathogenic for Hereditary cancer-predisposing syndrome. Last evaluated: 2024-10-12. Review status: criteria provided, single submitter. Criteria: Ambry Variant Classification Scheme 2023. Collection method: clinical testing. Allele origin: germline.
Comment: The p.E457* pathogenic mutation (also known as c.1369G>T), located in coding exon 11 of the CHEK2 gene, results from a G to T substitution at nucleotide position 1369. This changes the amino acid from a glutamic acid to a stop codon within coding exon 11. This variant is considered to be rare based on population cohorts in the Genome Aggregation Database (gnomAD). This alteration is expected to result in loss of function by premature protein truncation or nonsense-mediated mRNA decay. As such, this alteration is interpreted as a disease-causing mutation.

Myriad Genetics, Inc.
Classification: Pathogenic for Familial cancer of breast. Last evaluated: 2024-04-09. Review status: criteria provided, single submitter. Criteria: Myriad Autosomal Dominant, Autosomal Recessive and X-Linked Classification Criteria (2023). Collection method: clinical testing. Allele origin: unknown.
Comment: This variant is considered pathogenic. This variant creates a termination codon and is predicted to result in premature protein truncation.

Labcorp Genetics (formerly Invitae), Labcorp
Classification: Pathogenic for Familial cancer of breast. Last evaluated: 2023-04-24. Review status: criteria provided, single submitter. Criteria: Invitae Variant Classification Sherloc (09022015). Collection method: clinical testing. Allele origin: germline.
Comment: This sequence change creates a premature translational stop signal (p.Glu457*) in the CHEK2 gene. It is expected to result in an absent or disrupted protein product. Loss-of-function variants in CHEK2 are known to be pathogenic (PMID: 21876083, 24713400). This variant is not present in population databases (gnomAD no frequency). For these reasons, this variant has been classified as Pathogenic. This variant has not been reported in the literature in individuals affected with CHEK2-related conditions.

Literature cited by the submitters: PubMed 21876083 (cited by Labcorp Genetics (formerly Invitae), Labcorp); PubMed 24713400 (cited by Labcorp Genetics (formerly Invitae), Labcorp).